The following is an entry in ClinVar:

ClinVar aggregate classification (germline): Conflicting classifications of pathogenicity. Review status: criteria provided, conflicting classifications (1 of 4 stars). 3 submissions from 3 submitters: Pathogenic (1); Likely pathogenic (1); Uncertain significance (1). Last evaluated 2025-11-12.

Conditions:
Hereditary cancer-predisposing syndrome. Also called: Hereditary neoplastic syndrome; Tumor predisposition; Neoplastic Syndromes, Hereditary; Hereditary Cancer Syndrome. Identifiers: Orphanet 140162, MedGen C0027672, MeSH D009386, MONDO:0015356.
Peutz-Jeghers syndrome (PJS). Also called: Peutz-Jeghers polyposis; Periorificial lentiginosis syndrome; POLYPOSIS, HAMARTOMATOUS INTESTINAL; POLYPS-AND-SPOTS SYNDROME. Identifiers: Orphanet 2869, MedGen C0031269, MeSH D010580, MONDO:0008280, OMIM 175200.

Submissions (3):

Ambry Genetics
Classification: Pathogenic for Hereditary cancer-predisposing syndrome. Last evaluated: 2025-11-12. Review status: criteria provided, single submitter. Criteria: Ambry Variant Classification Scheme 2023. Collection method: clinical testing. Allele origin: germline.
Comment: The p.D237E pathogenic mutation (also known as c.711C>G), located in coding exon 5 of the STK11 gene, results from a C to G substitution at nucleotide position 711. The aspartic acid at codon 237 is replaced by glutamic acid, an amino acid with highly similar properties. This variant was reported in individual(s) with features consistent with Peutz-Jeghers syndrome (Ambry internal data). Another variant resulting in the same amino acid change (c.711C>A) has been identified in individual(s) with features consistent with Peutz-Jeghers syndrome (Ambry internal data). This amino acid position is highly conserved in available vertebrate species. In addition, this alteration is predicted to be deleterious by in silico analysis. This variant is considered to be rare based on population cohorts in the Genome Aggregation Database (gnomAD). Based on the supporting evidence, this variant is interpreted as a disease-causing mutation.

Labcorp Genetics (formerly Invitae), Labcorp
Classification: Uncertain significance for Peutz-Jeghers syndrome. Last evaluated: 2024-01-19. Review status: criteria provided, single submitter. Criteria: Invitae Variant Classification Sherloc (09022015). Collection method: clinical testing. Allele origin: germline.
Comment: This sequence change replaces aspartic acid, which is acidic and polar, with glutamic acid, which is acidic and polar, at codon 237 of the STK11 protein (p.Asp237Glu). This variant is not present in population databases (gnomAD no frequency). This variant has not been reported in the literature in individuals affected with STK11-related conditions. ClinVar contains an entry for this variant (Variation ID: 378676). Advanced modeling of protein sequence and biophysical properties (such as structural, functional, and spatial information, amino acid conservation, physicochemical variation, residue mobility, and thermodynamic stability) performed at Invitae indicates that this missense variant is expected to disrupt STK11 protein function with a positive predictive value of 95%. In summary, the available evidence is currently insufficient to determine the role of this variant in disease. Therefore, it has been classified as a Variant of Uncertain Significance.

GeneDx
Classification: Likely pathogenic. Last evaluated: 2016-09-30. Review status: criteria provided, single submitter. Criteria: GeneDx Variant Classification (06012015). Collection method: clinical testing. Allele origin: germline. Affected: yes.
Comment: The D237E variant in the STK11 gene has previously been reported in association with Peutz-Jeghers syndrome (Crocker et al., 2014). The D237E variant was not observed in approximately 6,100 individuals of European and African American ancestry in the NHLBI Exome Sequencing Project, indicating it is not a common benign variant in these populations. The D237E variant is a conservative amino acid substitution, which is not likely to impact secondary protein structure as these residues share similar properties. This substitution occurs at a position that is conserved across species, and in silico analysis predicts this variant is probably damaging to the protein structure/function. Missense variants in nearby residues (S232P, W239G, S240W, G242W, G242E) have been reported in the Human Gene Mutation Database in association with STK11-related disorders (Stenson et al., 2014), supporting the functional importance of this region of the protein. Based on currently available evidence D237E is a strong candidate for a pathogenic variant. However, the possibility that it is benign cannot be excluded.

NM_000455.5(STK11):c.711C>G (p.Asp237Glu)

Gene: STK11 (serine/threonine kinase 11; plus strand). Cytogenetic location: 19p13.3.
Variant type: single nucleotide variant.
Coding change: c.711C>G on transcript NM_000455.5 (MANE Select); coding-DNA position 711, C replaced by G.
Protein change: p.Asp237Glu; replaces aspartic acid 237 with glutamic acid.
Molecular consequence: missense variant.
Genome position (GRCh38, 1-based): chr19:1,220,694, C>G. VCF-style: chr19-1220694-C-G. GRCh37 (hg19) VCF-style: chr19-1220693-C-G.
Other names: short protein forms D237E.
Identifiers: ClinVar variation 378676 (VCV000378676.6), dbSNP rs1057520379, ClinGen allele CA16608016.